The following is an entry in ClinVar:

NM_025114.4(CEP290):c.737_738del (p.Ser246fs)

Gene: CEP290 (centrosomal protein 290; minus strand). Cytogenetic location: 12q21.32.
Variant type: Deletion.
Coding change: c.737_738del on transcript NM_025114.4 (MANE Select); coding-DNA positions 737 to 738, 2 bases deleted (CT; older notation c.737_738delCT).
Protein change: p.Ser246fs; shifts the reading frame from serine 246.
Molecular consequence: frameshift variant.
Genome position (GRCh38, 1-based): chr12:88,129,808-88,129,809, AG deleted on the plus strand (CT on the coding strand, the reverse complement: CEP290 is on the minus strand); deleting any 2 consecutive bases within chr12:88,129,808-88,129,810 gives the same sequence; the c. name uses the placement nearest the transcript's 3' end. VCF-style (leftmost placement, unchanged base first): chr12-88129807-CAG-C. GRCh37 (hg19) VCF-style: chr12-88523584-CAG-C.
Other names: short protein forms S246fs.
Identifiers: ClinVar variation 1379771 (VCV001379771.1), dbSNP rs2039957886, ClinGen allele CA950219475.

ClinVar aggregate classification (germline): Pathogenic (1 of 4 stars; one submission).

Conditions:
Joubert syndrome. Also called: CEREBELLOPARENCHYMAL DISORDER IV; JOUBERT-BOLTSHAUSER SYNDROME; Familial aplasia of the vermis. Identifiers: Orphanet 475, MedGen C5979921, MONDO:0018772.
Nephronophthisis. Also called: Juvenile Nephronophthisis. Identifiers: Orphanet 655, MedGen C0687120, MONDO:0019005, HP:0000090.
Meckel-Gruber syndrome. Also called: DYSENCEPHALIA SPLANCHNOCYSTICA; GRUBER SYNDROME; Dysencephalia splachnocystica. Identifiers: Orphanet 564, MedGen C0265215, MONDO:0018921.

Submission:

Labcorp Genetics (formerly Invitae), Labcorp
Classification: Pathogenic for Joubert syndrome; Meckel-Gruber syndrome; Nephronophthisis. Last evaluated: 2021-04-13. Review status: criteria provided, single submitter. Criteria: Invitae Variant Classification Sherloc (09022015). Collection method: clinical testing. Allele origin: germline.
Comment: This sequence change creates a premature translational stop signal (p.Ser246Cysfs*9) in the CEP290 gene. It is expected to result in an absent or disrupted protein product. Loss-of-function variants in CEP290 are known to be pathogenic (PMID: 16909394, 17345604, 20690115). This variant is not present in population databases (ExAC no frequency). This variant has not been reported in the literature in individuals with CEP290-related conditions. For these reasons, this variant has been classified as Pathogenic.

Literature cited by the submitters: PubMed 16909394; PubMed 17345604; PubMed 20690115.